The following is an entry in ClinVar:

NM_000222.3(KIT):c.175A>C (p.Thr59Pro)

Gene: KIT (KIT proto-oncogene, receptor tyrosine kinase; plus strand). Cytogenetic location: 4q12.
Variant type: single nucleotide variant.
Coding change: c.175A>C on transcript NM_000222.3 (MANE Select); coding-DNA position 175, A replaced by C.
Protein change: p.Thr59Pro; replaces threonine 59 with proline.
Molecular consequence: missense variant.
Genome position (GRCh38, 1-based): chr4:54,695,619, A>C. VCF-style: chr4-54695619-A-C. GRCh37 (hg19) VCF-style: chr4-55561785-A-C.
Other names: c.175A>C, p.Thr59Pro (NM_001093772.2, NM_001385284.1, NM_001385285.1 and 4 more transcripts); short protein forms T59P.
Identifiers: ClinVar variation 4645450 (VCV004645450.1).
Genomic context (GRCh38, chr4:54,695,619, plus strand): 5'-ATCCATCCAGGAAAATCAGACTTAATAGTCCGCGTGGGCGACGAGATTAGGCTGTTATGC[A>C]CTGATCCGGGCTTTGTCAAATGGACTTTTGAGATCCTGGATGAAACGAATGAGAATAAGC-3'
Protein context (NP_000213.1, residues 49-69): RVGDEIRLLC[Thr59Pro]DPGFVKWTFE

ClinVar aggregate classification (germline): Uncertain significance (1 of 4 stars; one submission).

Conditions:
Hereditary cancer-predisposing syndrome. Also called: Neoplastic Syndromes, Hereditary; Tumor predisposition; Hereditary Cancer Syndrome; Hereditary neoplastic syndrome. Identifiers: Orphanet 140162, MedGen C0027672, MeSH D009386, MONDO:0015356.

Submission:

Ambry Genetics
Classification: Uncertain significance for Hereditary cancer-predisposing syndrome. Last evaluated: 2025-12-09. Review status: criteria provided, single submitter. Criteria: Ambry Variant Classification Scheme 2023. Collection method: clinical testing. Allele origin: germline.
Comment: The p.T59P variant (also known as c.175A>C), located in coding exon 2 of the KIT gene, results from an A to C substitution at nucleotide position 175. The threonine at codon 59 is replaced by proline, an amino acid with highly similar properties. This amino acid position is conserved. In addition, this alteration is predicted to be tolerated by in silico analysis. Based on the available evidence, the clinical significance of this variant remains unclear.